The following is an entry in ClinVar:

ClinVar aggregate classification (germline): Likely pathogenic (1 of 4 stars; one submission).

Submission:

Labcorp Genetics (formerly Invitae), Labcorp
Classification: Likely pathogenic. Last evaluated: 2026-01-27. Review status: criteria provided, single submitter. Criteria: Invitae Variant Classification Sherloc (09022015). Collection method: clinical testing. Allele origin: germline.
Comment: This sequence change affects an acceptor splice site in intron 14 of the OTOA gene. It is expected to disrupt RNA splicing. Variants that disrupt the donor or acceptor splice site typically lead to a loss of protein function (PMID: 16199547), and loss-of-function variants in OTOA are known to be pathogenic (PMID: 11972037). This variant is not present in population databases (gnomAD no frequency). This variant has not been reported in the literature in individuals affected with OTOA-related conditions. Algorithms developed to predict the effect of sequence changes on RNA splicing suggest that this variant may disrupt the consensus splice site. In summary, the currently available evidence indicates that the variant is pathogenic, but additional data are needed to prove that conclusively. Therefore, this variant has been classified as Likely Pathogenic.

Literature cited by the submitters: PubMed 16199547; PubMed 11972037.

NM_144672.4(OTOA):c.1630-2A>G

Gene: OTOA (otoancorin). Cytogenetic location: 16p12.2.
Variant type: single nucleotide variant.
Coding change: c.1630-2A>G on transcript NM_144672.4 (MANE Select); the canonical splice acceptor site of the intron before coding-DNA position 1630, A replaced by G.
Molecular consequence: splice acceptor variant.
Genome position (GRCh38, 1-based): chr16:21,719,131, A>G. VCF-style: chr16-21719131-A-G. GRCh37 (hg19) VCF-style: chr16-21730452-A-G.
Other names: c.1393-2A>G (NM_001161683.2); c.658-2A>G (NM_170664.3).
Identifiers: ClinVar variation 4735597 (VCV004735597.1).
Genomic context (GRCh38, chr16:21,719,131, plus strand): 5'-CTCACAGTGTTGGGCACACGCTGAGTGTGCCATCAGTGCTAACGATCATTCTCTTCTCGC[A>G]GGCTCTGTTCCTGTATGAGCTTCTGTTAAAGACCACCAGAAGGCCTGAGGAGCTTTTGAG-3'